The following is an entry in ClinVar:

NM_000180.4(GUCY2D):c.2849C>T (p.Ala950Val)

Gene: GUCY2D (guanylate cyclase 2D, retinal; plus strand). Cytogenetic location: 17p13.1.
Variant type: single nucleotide variant.
Coding change: c.2849C>T on transcript NM_000180.4 (MANE Select); coding-DNA position 2849, C replaced by T.
Protein change: p.Ala950Val; replaces alanine 950 with valine.
Molecular consequence: missense variant.
Genome position (GRCh38, 1-based): chr17:8,015,407, C>T. VCF-style: chr17-8015407-C-T. GRCh37 (hg19) VCF-style: chr17-7918725-C-T.
Other names: short protein forms A950V.
Identifiers: ClinVar variation 98577 (VCV000098577.6), dbSNP rs61750181, ClinGen allele CA226101.

ClinVar aggregate classification (germline): Conflicting classifications of pathogenicity. Review status: criteria provided, conflicting classifications (1 of 4 stars). 5 submissions from 5 submitters: Likely pathogenic (1); Uncertain significance (2). 2 of the submissions do not count toward it. Last evaluated 2024-10-02.

Conditions:
GUCY2D-related disorders.
Cone-rod dystrophy 6 (CORD6). Also called: RETINAL CONE DYSTROPHY 2; Cone dystrophy progressive. Identifiers: Orphanet 1872, MedGen C1866293, MONDO:0011143, OMIM 601777.
Leber congenital amaurosis 1 (LCA1). Also called: AMAUROSIS CONGENITA OF LEBER I; RETINAL BLINDNESS, CONGENITAL; Congenital absence of the rods and cones; Leber's congenital tapetoretinal degeneration; Leber's congenital tapetoretinal dysplasia. Identifiers: Orphanet 65, MedGen C2931258, MONDO:0008764, OMIM 204000.

Allele frequency attached by ClinVar (database versions not stated): TOPMed 0.00001; gnomAD exomes 0.00002.

Submissions (5):

Labcorp Genetics (formerly Invitae), Labcorp
Classification: Uncertain significance for Leber congenital amaurosis 1; Cone-rod dystrophy 6. Last evaluated: 2024-10-02. Review status: criteria provided, single submitter. Criteria: Invitae Variant Classification Sherloc (09022015). Collection method: clinical testing. Allele origin: germline.
Comment: This sequence change replaces alanine, which is neutral and non-polar, with valine, which is neutral and non-polar, at codon 950 of the GUCY2D protein (p.Ala950Val). This variant is not present in population databases (gnomAD no frequency). This missense change has been observed in individual(s) with clinical features of GUCY2D-related conditions (PMID: 17964524, 26626312, 31704230). ClinVar contains an entry for this variant (Variation ID: 98577). Invitae Evidence Modeling of protein sequence and biophysical properties (such as structural, functional, and spatial information, amino acid conservation, physicochemical variation, residue mobility, and thermodynamic stability) indicates that this missense variant is not expected to disrupt GUCY2D protein function with a negative predictive value of 80%. In summary, the available evidence is currently insufficient to determine the role of this variant in disease. Therefore, it has been classified as a Variant of Uncertain Significance.

Women's Health and Genetics/Laboratory Corporation of America, LabCorp
Classification: Uncertain significance. Last evaluated: 2023-04-26. Review status: criteria provided, single submitter. Criteria: LabCorp Variant Classification Summary - May 2015. Collection method: clinical testing. Allele origin: germline.
Comment: Variant summary: GUCY2D c.2849C>T (p.Ala950Val) results in a non-conservative amino acid change located in the Adenylyl cyclase class-3/4/guanylyl cyclase domain (IPR001054) of the encoded protein sequence. Five of five in-silico tools predict a damaging effect of the variant on protein function. The variant was absent in 250910 control chromosomes (gnomAD). c.2849C>T has been reported in the literature in compound heterozygous individuals affected with Leber Congenital Amaurosis (Astuti_2015, Bouzia_2019). These data indicate that the variant may be associated with disease. To our knowledge, no experimental evidence demonstrating an impact on protein function has been reported. The following publications have been ascertained in the context of this evaluation (PMID: 26626312, 31704230, 17964524, 16123401). No clinical diagnostic laboratories have submitted clinical-significance assessments for this variant to ClinVar after 2014. Based on the evidence outlined above, the variant was classified as VUS-possibly pathogenic.

Blueprint Genetics
Classification: Likely pathogenic for GUCY2D-related disorders. Last evaluated: 2022-04-11. Review status: criteria provided, single submitter. Criteria: ACMG Guidelines, 2015. Collection method: clinical testing. Allele origin: germline. Affected: yes. Observed: 1 variant allele.

Laboratory of Genetics in Ophthalmology, Institut Imagine
Classification: Likely pathogenic for Leber congenital amaurosis 1. Review status: no assertion criteria provided. Collection method: research. Allele origin: inherited. Affected: yes. Observed: 1 variant allele. Not counted in ClinVar's aggregate classification.

Retina International
No classification provided. Review status: no classification provided. Collection method: not provided. Allele origin: not provided. Not counted in ClinVar's aggregate classification.

Literature cited by the submitters: PubMed 17964524 (cited by Labcorp Genetics (formerly Invitae), Labcorp and Women's Health and Genetics/Laboratory Corporation of America, LabCorp); PubMed 26626312 (cited by Labcorp Genetics (formerly Invitae), Labcorp and Women's Health and Genetics/Laboratory Corporation of America, LabCorp); PubMed 31704230 (cited by Labcorp Genetics (formerly Invitae), Labcorp and Women's Health and Genetics/Laboratory Corporation of America, LabCorp); PubMed 16123401 (cited by Women's Health and Genetics/Laboratory Corporation of America, LabCorp and Laboratory of Genetics in Ophthalmology, Institut Imagine).